The following is an entry in ClinVar:

NM_001376.5(DYNC1H1):c.11497C>T (p.Leu3833=)

Gene: DYNC1H1 (dynein cytoplasmic 1 heavy chain 1; plus strand). Cytogenetic location: 14q32.31.
Variant type: single nucleotide variant.
Coding change: c.11497C>T on transcript NM_001376.5 (MANE Select); coding-DNA position 11497, C replaced by T.
Protein change: p.Leu3833=; no amino-acid change (leucine 3833 retained).
Molecular consequence: synonymous variant.
Genome position (GRCh38, 1-based): chr14:102,039,448, C>T. VCF-style: chr14-102039448-C-T. GRCh37 (hg19) VCF-style: chr14-102505785-C-T.
Identifiers: ClinVar variation 415319 (VCV000415319.14), dbSNP rs200735835, ClinGen allele CA7353629.
Genomic context (GRCh38, chr14:102,039,448, plus strand): 5'-CCGCTGCCCACTGCTTCCTTTCAGATACACTTCTTGTACCAGTACTCCCTCCAGTTTTTC[C>T]TGGACATTTATCACAACGTCCTATACGAGAACCCGAACCTGAAGGGTGTCACCGACCACA-3'
Protein context (NP_001367.2, residues 3823-3843): FLYQYSLQFF[Leu3833=]DIYHNVLYEN

ClinVar aggregate classification (germline): Likely benign. Review status: criteria provided, multiple submitters, no conflicts (2 of 4 stars). 4 submissions from 3 submitters: Likely benign (4). Last evaluated 2025-08-04.

Conditions:
Autosomal dominant cerebellar ataxia. Also called: Spinocerebellar Ataxia, Dominant. Identifiers: Orphanet 99, MedGen C4087347, MONDO:0020380.
DYNC1H1-related disorder. Also called: DYNC1H1-related disorders; DYNC1H1-related condition. Identifiers: MedGen CN381529.
Charcot-Marie-Tooth disease axonal type 2O. Also called: Charcot-Marie-Tooth Neuropathy Type 2O; CHARCOT-MARIE-TOOTH NEUROPATHY, AXONAL, TYPE 2O; CHARCOT-MARIE-TOOTH DISEASE, AXONAL, AUTOSOMAL DOMINANT, TYPE 2O; Charcot-Marie-Tooth disease, axonal, type 20. Identifiers: Orphanet 284232, MedGen C3280220, MONDO:0013644, OMIM 614228.

Allele frequency attached by ClinVar (database versions not stated): gnomAD 0.00001 and 0.00003; gnomAD exomes 0.00002 and 0.00004; TOPMed 0.00002; ExAC 0.00005; 1000 Genomes Project 30x 0.00016; 1000 Genomes Project 0.00020.
gnomAD v4.1: 38 of 1,614,256 alleles (0.0024%); highest among the groups gnomAD compares: East Asian, 0.082%; no homozygotes.

Submissions (4):

Labcorp Genetics (formerly Invitae), Labcorp
Classification: Likely benign for Charcot-Marie-Tooth disease axonal type 2O. Last evaluated: 2025-08-04. Review status: criteria provided, single submitter. Criteria: Invitae Variant Classification Sherloc (09022015). Collection method: clinical testing. Allele origin: germline.

PreventionGenetics, part of Exact Sciences
Classification: Likely benign for DYNC1H1-related condition. Last evaluated: 2025-07-08. Review status: criteria provided, single submitter. Criteria: ACMG Guidelines, 2015. Collection method: clinical testing. Allele origin: germline.
Comment: This variant is classified as likely benign based on ACMG/AMP sequence variant interpretation guidelines (Richards et al. 2015 PMID: 25741868, with internal and published modifications).

Illumina Laboratory Services, Illumina
Classification: Likely benign for Spinocerebellar Ataxia, Dominant. Last evaluated: 2018-01-13. Review status: criteria provided, single submitter. Criteria: ICSL Variant Classification Criteria 13 December 2019. Collection method: clinical testing. Allele origin: germline.
Comment: This variant was observed in the ICSL laboratory as part of a predisposition screen in an ostensibly healthy population. It had not been previously curated by ICSL or reported in the Human Gene Mutation Database (HGMD: prior to June 1st, 2018), and was therefore a candidate for classification through an automated scoring system. Utilizing variant allele frequency, disease prevalence and penetrance estimates, and inheritance mode, an automated score was calculated to assess if this variant is too frequent to cause the disease. Based on the score and internal cut-off values, a variant classified as likely benign is not then subjected to further curation. The score for this variant resulted in a classification of likely benign for this disease.

Illumina Laboratory Services, Illumina
Classification: Likely benign for Charcot-Marie-Tooth disease axonal type 2O. Last evaluated: 2018-01-13. Review status: criteria provided, single submitter. Criteria: ICSL Variant Classification Criteria 13 December 2019. Collection method: clinical testing. Allele origin: germline.
Comment: the same text as in the submission from Illumina Laboratory Services, Illumina above.